The following is an entry in ClinVar:

NM_025114.4(CEP290):c.3013G>T (p.Glu1005Ter)

Gene: CEP290 (centrosomal protein 290; minus strand). Cytogenetic location: 12q21.32.
Variant type: single nucleotide variant.
Coding change: c.3013G>T on transcript NM_025114.4 (MANE Select); coding-DNA position 3013, G replaced by T.
Protein change: p.Glu1005Ter; replaces glutamic acid 1005 with a stop codon.
Molecular consequence: nonsense.
Genome position (GRCh38, 1-based): chr12:88,096,978, C>A on the plus strand (G>T on the coding strand, the complement: CEP290 is on the minus strand). VCF-style: chr12-88096978-C-A. GRCh37 (hg19) VCF-style: chr12-88490755-C-A.
Other names: short protein forms E1005*.
Identifiers: ClinVar variation 1421735 (VCV001421735.6), dbSNP rs2037478393, ClinGen allele CA386007180.

ClinVar aggregate classification (germline): Pathogenic (1 of 4 stars; one submission).

Conditions:
Joubert syndrome. Also called: CEREBELLOPARENCHYMAL DISORDER IV; JOUBERT-BOLTSHAUSER SYNDROME; Familial aplasia of the vermis. Identifiers: Orphanet 475, MedGen C5979921, MONDO:0018772.
Nephronophthisis. Also called: Juvenile Nephronophthisis. Identifiers: Orphanet 655, MedGen C0687120, MONDO:0019005, HP:0000090.
Meckel-Gruber syndrome. Also called: DYSENCEPHALIA SPLANCHNOCYSTICA; GRUBER SYNDROME; Dysencephalia splachnocystica. Identifiers: Orphanet 564, MedGen C0265215, MONDO:0018921.

Allele frequency attached by ClinVar (database versions not stated): gnomAD exomes below 0.00001.
gnomAD v4.1: 1 of 1,555,166 alleles (0.000064%); highest among the groups gnomAD compares: East Asian, 0.0023%; no homozygotes.

Submission:

Labcorp Genetics (formerly Invitae), Labcorp
Classification: Pathogenic for Joubert syndrome; Meckel-Gruber syndrome; Nephronophthisis. Last evaluated: 2021-05-06. Review status: criteria provided, single submitter. Criteria: Invitae Variant Classification Sherloc (09022015). Collection method: clinical testing. Allele origin: germline.
Comment: This sequence change creates a premature translational stop signal (p.Glu1005*) in the CEP290 gene. It is expected to result in an absent or disrupted protein product. Loss-of-function variants in CEP290 are known to be pathogenic (PMID: 16909394, 17345604, 20690115). This variant is not present in population databases (ExAC no frequency). This variant has not been reported in the literature in individuals with CEP290-related conditions. For these reasons, this variant has been classified as Pathogenic.

Literature cited by the submitters: PubMed 16909394; PubMed 17345604; PubMed 20690115.